The following is an entry in ClinVar:

ClinVar aggregate classification (germline): Conflicting classifications of pathogenicity. Review status: criteria provided, conflicting classifications (1 of 4 stars). 2 submissions from 2 submitters: Uncertain significance (1); Likely benign (1). Last evaluated 2022-05-11.

Conditions:
Inborn genetic diseases. Identifiers: MedGen C0950123, MeSH D030342.

Allele frequency attached by ClinVar (database versions not stated): ExAC 0.00001; TOPMed 0.00002; 1000 Genomes Project 30x 0.00016; 1000 Genomes Project 0.00020.
gnomAD v4.1: 12 of 1,614,244 alleles (0.00074%); highest among the groups gnomAD compares: East Asian, 0.022%; no homozygotes.

Submissions (2):

Ambry Genetics
Classification: Likely benign for Inborn genetic diseases. Last evaluated: 2022-05-11. Review status: criteria provided, single submitter. Criteria: Ambry Variant Classification Scheme 2023. Collection method: clinical testing. Allele origin: germline.

Labcorp Genetics (formerly Invitae), Labcorp
Classification: Uncertain significance. Last evaluated: 2020-02-15. Review status: criteria provided, single submitter. Criteria: Invitae Variant Classification Sherloc (09022015). Collection method: clinical testing. Allele origin: germline.
Comment: This sequence change replaces lysine with arginine at codon 610 of the ADAMTS18 protein (p.Lys610Arg). The lysine residue is moderately conserved and there is a small physicochemical difference between lysine and arginine. This variant is present in population databases (rs202020248, ExAC 0.01%). This variant has not been reported in the literature in individuals with ADAMTS18-related conditions. Algorithms developed to predict the effect of missense changes on protein structure and function output the following: SIFT: "Not Available"; PolyPhen-2: "Benign"; Align-GVGD: "Not Available". The arginine amino acid residue is found in multiple mammalian species, suggesting that this missense change does not adversely affect protein function. These predictions have not been confirmed by published functional studies and their clinical significance is uncertain. In summary, the available evidence is currently insufficient to determine the role of this variant in disease. Therefore, it has been classified as a Variant of Uncertain Significance.

NM_199355.4(ADAMTS18):c.1829A>G (p.Lys610Arg)

Gene: ADAMTS18 (ADAM metallopeptidase with thrombospondin type 1 motif 18; minus strand). Cytogenetic location: 16q23.1.
Variant type: single nucleotide variant.
Coding change: c.1829A>G on transcript NM_199355.4 (MANE Select); coding-DNA position 1829, A replaced by G.
Protein change: p.Lys610Arg; replaces lysine 610 with arginine.
Molecular consequence: missense variant.
Genome position (GRCh38, 1-based): chr16:77,335,786, T>C on the plus strand (A>G on the coding strand, the complement: ADAMTS18 is on the minus strand). VCF-style: chr16-77335786-T-C. GRCh37 (hg19) VCF-style: chr16-77369683-T-C.
Other names: c.1313A>G, p.Lys438Arg (NM_001326358.2); c.1829A>G (NM_199355.2); short protein forms K438R, K610R.
Identifiers: ClinVar variation 1015435 (VCV001015435.10), dbSNP rs202020248, ClinGen allele CA8181149.
Genomic context (GRCh38, chr16:77,335,786, plus strand): 5'-GCAAAGACTAACTTTCTGCTGGAGGCTTACTTGGGGTTATTGCAGTGTCTCTCCTGGAAC[T>C]TGACTCCTCCACCACATGTCCGGGAACATTCTGACCACTTCGACCAGGCGGACCACTGGC-3'
Protein context (NP_955387.1, residues 600-620): ECSRTCGGGV[Lys610Arg]FQERHCNNPK